The following is an entry in ClinVar:

NM_153366.4(SVEP1):c.5586A>C (p.Ala1862=)

Gene: SVEP1 (sushi, von Willebrand factor type A, EGF and pentraxin domain containing 1; minus strand). Cytogenetic location: 9q31.3.
Variant type: single nucleotide variant.
Coding change: c.5586A>C on transcript NM_153366.4 (MANE Select); coding-DNA position 5586, A replaced by C.
Protein change: p.Ala1862=; no amino-acid change (alanine 1862 retained).
Molecular consequence: synonymous variant.
Genome position (GRCh38, 1-based): chr9:110,429,949, T>G on the plus strand (A>C on the coding strand, the complement: SVEP1 is on the minus strand). VCF-style: chr9-110429949-T-G. GRCh37 (hg19) VCF-style: chr9-113192229-T-G.
Identifiers: ClinVar variation 2659416 (VCV002659416.24), dbSNP rs192233477, ClinGen allele CA5182429.
Genomic context (GRCh38, chr9:110,429,949, plus strand): 5'-CTACAATATAGTTTTAATCTTAGATACTTACCTATATGTCACTTTGCTGCCAAAAGTAAA[T>G]GCTAACTCCTCAATGCAACCATTTTCTGGAATAGCCGGTTTACCACATGAAACAGCTTAA-3'
Protein context (NP_699197.3, residues 1852-1872): IPENGCIEEL[Ala1862=]FTFGSKVTYR

ClinVar aggregate classification (germline): Likely benign (1 of 4 stars; one submission).

Allele frequency attached by ClinVar (database versions not stated): 1000 Genomes Project 30x 0.00031; 1000 Genomes Project 0.00040; gnomAD 0.00106; ExAC 0.00132; TOPMed 0.00132; ESP Exome Variant Server 0.00176.
gnomAD v4.1: 1,814 of 1,613,022 alleles (0.11%); highest among the groups gnomAD compares: Middle Eastern, 1%; 7 homozygotes.

Submission:

CeGaT Center for Human Genetics Tuebingen
Classification: Likely benign. Last evaluated: 2023-02-01. Review status: criteria provided, single submitter. Criteria: CeGaT Center For Human Genetics Tuebingen Variant Classification Criteria Version 2. Collection method: clinical testing. Allele origin: germline. Affected: yes. Observed: 2 variant alleles.
Comment: SVEP1: BP4, BP7, BS2